The following is an entry in ClinVar:

ClinVar aggregate classification (germline): Uncertain significance (1 of 4 stars; one submission).

Conditions:
Familial hypercholesterolemia. Also called: Familial hypercholesterolaemia. Identifiers: MedGen C0020445, MONDO:0005439.

Allele frequency attached by ClinVar (database versions not stated): gnomAD exomes 0.00001.
gnomAD v4.1: 8 of 1,613,890 alleles (0.0005%); highest among the groups gnomAD compares: Non-Finnish European, 0.00068%; no homozygotes.

Submission:

Color Diagnostics, LLC DBA Color Health
Classification: Uncertain significance for Familial hypercholesterolemia. Last evaluated: 2022-11-06. Review status: criteria provided, single submitter. Criteria: ACMG Guidelines, 2015. Collection method: clinical testing. Allele origin: germline.
Comment: This missense variant replaces proline with leucine at codon 173 of the PCSK9 protein. Computational prediction suggests that this variant may not impact protein structure and function (internally defined REVEL score threshold <= 0.5, PMID: 27666373). To our knowledge, functional studies have not been reported for this variant. This variant has not been reported in individuals affected with PCSK9-related disorders in the literature. This variant has not been identified in the general population by the Genome Aggregation Database (gnomAD). The available evidence is insufficient to determine the role of this variant in disease conclusively. Therefore, this variant is classified as a Variant of Uncertain Significance.

NM_174936.4(PCSK9):c.518C>T (p.Pro173Leu)

Gene: PCSK9 (proprotein convertase subtilisin/kexin type 9; plus strand). Cytogenetic location: 1p32.3.
Variant type: single nucleotide variant.
Coding change: c.518C>T on transcript NM_174936.4 (MANE Select); coding-DNA position 518, C replaced by T.
Protein change: p.Pro173Leu; replaces proline 173 with leucine.
Molecular consequence: missense variant. On other transcripts: non-coding transcript variant (6).
Genome position (GRCh38, 1-based): chr1:55,046,641, C>T. VCF-style: chr1-55046641-C-T. GRCh37 (hg19) VCF-style: chr1-55512314-C-T.
Other names: c.641C>T, p.Pro214Leu (NM_001407240.1); c.518C>T, p.Pro173Leu (NM_001407241.1, NM_001407242.1, NM_001407244.1 and 1 more transcripts); c.461C>T, p.Pro154Leu (NM_001407243.1); c.326C>T, p.Pro109Leu (NM_001407245.1); c.143C>T, p.Pro48Leu (NM_001407246.1); short protein forms P173L, P214L, P109L, P154L, P48L.
Identifiers: ClinVar variation 2774040 (VCV002774040.2), dbSNP rs2523196408, ClinGen allele CA340484868.